The following is an entry in ClinVar:

NM_145886.4(PIDD1):c.1395G>A (p.Gly465=)

Gene: PIDD1 (p53-induced death domain protein 1; minus strand). Cytogenetic location: 11p15.5.
Variant type: single nucleotide variant.
Coding change: c.1395G>A on transcript NM_145886.4 (MANE Select); coding-DNA position 1395, G replaced by A.
Protein change: p.Gly465=; no amino-acid change (glycine 465 retained).
Molecular consequence: synonymous variant.
Genome position (GRCh38, 1-based): chr11:801,532, C>T on the plus strand (G>A on the coding strand, the complement: PIDD1 is on the minus strand). VCF-style: chr11-801532-C-T. GRCh37 (hg19) VCF-style: chr11-801532-C-T.
Other names: c.1395G>A, p.Gly465= (NM_145887.4).
Identifiers: ClinVar variation 4681396 (VCV004681396.5).

ClinVar aggregate classification (germline): Likely benign (1 of 4 stars; one submission).

gnomAD v4.1: 148 of 1,565,850 alleles (0.0095%); highest among the groups gnomAD compares: Admixed American, 0.22%; 2 homozygotes.

Submission:

CeGaT Center for Human Genetics Tuebingen
Classification: Likely benign. Last evaluated: 2026-09-01. Review status: criteria provided, single submitter. Criteria: CeGaT Center For Human Genetics Tuebingen Variant Classification Criteria Version 2. Collection method: clinical testing. Allele origin: germline. Affected: yes. Observed: 4 variant alleles.
Comment: PIDD1: BP4, BP7